The following is an entry in ClinVar:

NM_001042492.3(NF1):c.4702_4703del (p.Lys1568fs)

Gene: NF1 (neurofibromin 1; plus strand). Cytogenetic location: 17q11.2.
Variant type: Deletion.
Coding change: c.4702_4703del on transcript NM_001042492.3 (MANE Select); coding-DNA positions 4702 to 4703, 2 bases deleted (AA; older notation c.4702_4703delAA).
Protein change: p.Lys1568fs; shifts the reading frame from lysine 1568.
Molecular consequence: frameshift variant.
Genome position (GRCh38, 1-based): chr17:31,261,835-31,261,836, AA deleted; deleting any 2 consecutive bases within chr17:31,261,834-31,261,836 gives the same sequence; the c. name uses the placement nearest the transcript's 3' end. VCF-style (leftmost placement, unchanged base first): chr17-31261833-CAA-C. GRCh37 (hg19) VCF-style: chr17-29588851-CAA-C.
Other names: c.4639_4640delAA, p.Lys1547Valfs (NM_000267.4); short protein forms K1547fs, K1568fs.
Identifiers: ClinVar variation 2850845 (VCV002850845.3), dbSNP rs1555619052, ClinGen allele CA2739267409.

ClinVar aggregate classification (germline): Pathogenic (1 of 4 stars; one submission).

Conditions:
Neurofibromatosis, type 1 (NF1). Also called: VON RECKLINGHAUSEN DISEASE; Neurofibromatosis, type I; Peripheral type neurofibromatosis; NEUROFIBROMATOSIS, TYPE I, SOMATIC. Identifiers: Orphanet 636, MedGen C0027831, MONDO:0018975, OMIM 162200. Disease mechanism: loss of function.

Submission:

Labcorp Genetics (formerly Invitae), Labcorp
Classification: Pathogenic for Neurofibromatosis, type 1. Last evaluated: 2024-09-18. Review status: criteria provided, single submitter. Criteria: Invitae Variant Classification Sherloc (09022015). Collection method: clinical testing. Allele origin: germline.
Comment: This sequence change creates a premature translational stop signal (p.Lys1547Valfs*2) in the NF1 gene. It is expected to result in an absent or disrupted protein product. Loss-of-function variants in NF1 are known to be pathogenic (PMID: 10712197, 23913538). This variant is not present in population databases (gnomAD no frequency). This variant has not been reported in the literature in individuals affected with NF1-related conditions. Algorithms developed to predict the effect of sequence changes on RNA splicing suggest that this variant may disrupt the consensus splice site. For these reasons, this variant has been classified as Pathogenic.

Literature cited by the submitters: PubMed 10712197; PubMed 23913538.